The following is an entry in ClinVar:

NM_019892.6(INPP5E):c.161C>T (p.Thr54Ile)

Gene: INPP5E (inositol polyphosphate-5-phosphatase E; minus strand). Cytogenetic location: 9q34.3.
Variant type: single nucleotide variant.
Coding change: c.161C>T on transcript NM_019892.6 (MANE Select); coding-DNA position 161, C replaced by T.
Protein change: p.Thr54Ile; replaces threonine 54 with isoleucine.
Molecular consequence: missense variant.
Genome position (GRCh38, 1-based): chr9:136,439,259, G>A on the plus strand (C>T on the coding strand, the complement: INPP5E is on the minus strand). VCF-style: chr9-136439259-G-A. GRCh37 (hg19) VCF-style: chr9-139333711-G-A.
Other names: c.161C>T (NM_019892.5); c.161C>T, p.Thr54Ile (NM_001318502.2); short protein forms T54I.
Identifiers: ClinVar variation 1431019 (VCV001431019.12), dbSNP rs1234082483, ClinGen allele CA375570951.

ClinVar aggregate classification (germline): Uncertain significance. Review status: criteria provided, multiple submitters, no conflicts (2 of 4 stars). 3 submissions from 3 submitters: Uncertain significance (3). Last evaluated 2026-05-07.

Conditions:
INPP5E-related disorder. Also called: INPP5E-related condition.
Joubert syndrome. Also called: JOUBERT-BOLTSHAUSER SYNDROME; Familial aplasia of the vermis. Identifiers: Orphanet 475, MedGen C5979921, MONDO:0018772.
Joubert syndrome 1 (JBTS1). Also called: CEREBELLOPARENCHYMAL DISORDER IV; Cerebellooculorenal syndrome 1. Identifiers: MedGen C4551568, MONDO:0008944, OMIM 213300.
MORM syndrome (MORMS). Identifiers: Orphanet 75858, MedGen C1857802, MONDO:0012423, OMIM 610156.

Allele frequency attached by ClinVar (database versions not stated): TOPMed 0.00003; gnomAD exomes 0.00004; gnomAD 0.00001 and 0.00002.
gnomAD v4.1: 10 of 1,501,730 alleles (0.00067%); highest among the groups gnomAD compares: Admixed American, 0.0065%; no homozygotes.

Submissions (3):

PreventionGenetics, part of Exact Sciences
Classification: Uncertain significance for INPP5E-related condition. Last evaluated: 2026-05-07. Review status: criteria provided, single submitter. Criteria: ACMG Guidelines, 2015. Collection method: clinical testing. Allele origin: germline.
Comment: The INPP5E c.161C>T variant is predicted to result in the amino acid substitution p.Thr54Ile. To our knowledge, this variant has not been reported in the literature. This variant is reported in 0.024% of alleles in individuals of East Asian descent in gnomAD. At this time, the clinical significance of this variant is uncertain due to the absence of conclusive functional and genetic evidence.

Fulgent Genetics
Classification: Uncertain significance for Joubert syndrome 1; MORM syndrome. Last evaluated: 2024-06-18. Review status: criteria provided, single submitter. Criteria: ACMG Guidelines, 2015. Collection method: clinical testing. Allele origin: germline.

Labcorp Genetics (formerly Invitae), Labcorp
Classification: Uncertain significance for Joubert syndrome. Last evaluated: 2022-07-26. Review status: criteria provided, single submitter. Criteria: Invitae Variant Classification Sherloc (09022015). Collection method: clinical testing. Allele origin: germline.
Comment: In summary, the available evidence is currently insufficient to determine the role of this variant in disease. Therefore, it has been classified as a Variant of Uncertain Significance. Advanced modeling of protein sequence and biophysical properties (such as structural, functional, and spatial information, amino acid conservation, physicochemical variation, residue mobility, and thermodynamic stability) performed at Invitae indicates that this missense variant is not expected to disrupt INPP5E protein function. ClinVar contains an entry for this variant (Variation ID: 1431019). This variant has not been reported in the literature in individuals affected with INPP5E-related conditions. This variant is present in population databases (no rsID available, gnomAD 0.03%). This sequence change replaces threonine, which is neutral and polar, with isoleucine, which is neutral and non-polar, at codon 54 of the INPP5E protein (p.Thr54Ile).